The following is an entry in ClinVar:

NM_001048174.2(MUTYH):c.1434+3A>G

Gene: MUTYH (mutY DNA glycosylase; minus strand). Cytogenetic location: 1p34.1.
Variant type: single nucleotide variant.
Coding change: c.1434+3A>G on transcript NM_001048174.2 (MANE Select); 3 bases into the intron after coding-DNA position 1434, A replaced by G.
Molecular consequence: intron variant.
Genome position (GRCh38, 1-based): chr1:45,330,513, T>C on the plus strand (A>G on the coding strand, the complement: MUTYH is on the minus strand). VCF-style: chr1-45330513-T-C. GRCh37 (hg19) VCF-style: chr1-45796185-T-C.
Other names: c.1089+3A>G (NM_001350651.2, NM_001350650.2); c.1158+3A>G (NM_001293192.2, NM_001293196.2); c.1434+3A>G (NM_001048171.2, NM_001048173.2, NM_001293195.2); c.1479+3A>G (NM_001293190.2); c.1509+3A>G (NM_012222.3); c.1518+3A>G (NM_001128425.2); c.1437+3A>G (NM_001048172.2); c.1467+3A>G (NM_001293191.2).
Identifiers: ClinVar variation 853986 (VCV000853986.11), dbSNP rs1553123967, ClinGen allele CA916079906.

ClinVar aggregate classification (germline): Uncertain significance. Review status: criteria provided, multiple submitters, no conflicts (2 of 4 stars). 2 submissions from 2 submitters: Uncertain significance (2). Last evaluated 2026-02-13.

Conditions:
Hereditary cancer-predisposing syndrome. Also called: Neoplastic Syndromes, Hereditary; Hereditary neoplastic syndrome; Tumor predisposition; Hereditary Cancer Syndrome. Identifiers: Orphanet 140162, MedGen C0027672, MeSH D009386, MONDO:0015356.
Familial adenomatous polyposis 2. Also called: MYH-associated polyposis; FAP type 2; MUTYH-related attenuated familial adenomatous polyposis; Adenomas, multiple colorectal; ADENOMAS, MULTIPLE COLORECTAL, AUTOSOMAL RECESSIVE; MUTYH Polyposis. Identifiers: Orphanet 220460, Orphanet 247798, MedGen C3272841, MONDO:0012041, OMIM 608456.

Allele frequency attached by ClinVar (database versions not stated): TOPMed below 0.00001.

Submissions (2):

Ambry Genetics
Classification: Uncertain significance for Hereditary cancer-predisposing syndrome. Last evaluated: 2026-02-13. Review status: criteria provided, single submitter. Criteria: Ambry Variant Classification Scheme 2023. Collection method: clinical testing. Allele origin: germline.
Comment: The c.1518+3A>G intronic variant results from an A to G substitution 3 nucleotides after coding exon 15 in the MUTYH gene. This nucleotide position is poorly conserved in available vertebrate species. In silico splice site analysis predicts that this alteration will not have any significant effect on splicing. Based on the available evidence, the clinical significance of this variant remains unclear.

Labcorp Genetics (formerly Invitae), Labcorp
Classification: Uncertain significance for Familial adenomatous polyposis 2. Last evaluated: 2024-10-23. Review status: criteria provided, single submitter. Criteria: Invitae Variant Classification Sherloc (09022015). Collection method: clinical testing. Allele origin: germline.
Comment: This sequence change falls in intron 15 of the MUTYH gene. It does not directly change the encoded amino acid sequence of the MUTYH protein. It affects a nucleotide within the consensus splice site. This variant is not present in population databases (gnomAD no frequency). This variant has not been reported in the literature in individuals affected with MUTYH-related conditions. ClinVar contains an entry for this variant (Variation ID: 853986). Variants that disrupt the consensus splice site are a relatively common cause of aberrant splicing (PMID: 17576681, 9536098). Algorithms developed to predict the effect of sequence changes on RNA splicing suggest that this variant is not likely to affect RNA splicing. In summary, the available evidence is currently insufficient to determine the role of this variant in disease. Therefore, it has been classified as a Variant of Uncertain Significance.

Literature cited by the submitters: PubMed 17576681 (cited by Labcorp Genetics (formerly Invitae), Labcorp); PubMed 9536098 (cited by Labcorp Genetics (formerly Invitae), Labcorp).